The following is an entry in ClinVar:

ClinVar aggregate classification (germline): Uncertain significance (1 of 4 stars; one submission).

gnomAD v4.1: 3 of 1,613,808 alleles (0.00019%); highest among the groups gnomAD compares: Non-Finnish European, 0.00017%; no homozygotes.

Submission:

Women's Health and Genetics/Laboratory Corporation of America, LabCorp
Classification: Uncertain significance. Last evaluated: 2022-11-04. Review status: criteria provided, single submitter. Criteria: LabCorp Variant Classification Summary - May 2015. Collection method: clinical testing. Allele origin: germline.
Comment: Variant summary: VWF c.4353C>A (p.Asp1451Glu) results in a conservative amino acid change located in the von Willebrand factor, type A domain (IPR002035) of the encoded protein sequence. Four of four in-silico tools predict a benign effect of the variant on protein function. The variant was absent in 251104 control chromosomes. The available data on variant occurrences in the general population are insufficient to allow any conclusion about variant significance. To our knowledge, no occurrence of c.4353C>A in individuals affected with Von Willebrand Disease and no experimental evidence demonstrating its impact on protein function have been reported. No clinical diagnostic laboratories have submitted clinical-significance assessments for this variant to ClinVar after 2014. Based on the evidence outlined above, the variant was classified as uncertain significance.

NM_000552.5(VWF):c.4353C>A (p.Asp1451Glu)

Gene: VWF (von Willebrand factor; minus strand). Cytogenetic location: 12p13.31.
Variant type: single nucleotide variant.
Coding change: c.4353C>A on transcript NM_000552.5 (MANE Select); coding-DNA position 4353, C replaced by A.
Protein change: p.Asp1451Glu; replaces aspartic acid 1451 with glutamic acid.
Molecular consequence: missense variant.
Genome position (GRCh38, 1-based): chr12:6,019,065, G>T on the plus strand (C>A on the coding strand, the complement: VWF is on the minus strand). VCF-style: chr12-6019065-G-T. GRCh37 (hg19) VCF-style: chr12-6128231-G-T.
Other names: short protein forms D1451E.
Identifiers: ClinVar variation 1804693 (VCV001804693.1), dbSNP rs367638908, ClinGen allele CA383502528.
Genomic context (GRCh38, chr12:6,019,065, plus strand): 5'-GGGGGGCAGAGTAGGAGGAGGGGCTTCAGGGGCAAGGTCACAGAGGTAGCTAACGATCTC[G>T]TCCCTTTGCTGCTCCAGCTCATCCACACTGCTCAGCACGAAGGCCTTGTTCTCAGGGGCC-3'
Protein context (NP_000543.3, residues 1441-1461): SSVDELEQQR[Asp1451Glu]EIVSYLCDLA